The following is an entry in ClinVar:

NM_001371333.1(DIABLO):c.521C>T (p.Thr174Ile)

Gene: DIABLO (diablo IAP-binding mitochondrial protein; minus strand). Cytogenetic location: 12q24.31.
Variant type: single nucleotide variant.
Coding change: c.521C>T on transcript NM_001371333.1 (MANE Select); coding-DNA position 521, C replaced by T.
Protein change: p.Thr174Ile; replaces threonine 174 with isoleucine.
Molecular consequence: missense variant.
Genome position (GRCh38, 1-based): chr12:122,216,490, G>A on the plus strand (C>T on the coding strand, the complement: DIABLO is on the minus strand). VCF-style: chr12-122216490-G-A. GRCh37 (hg19) VCF-style: chr12-122701037-G-A.
Other names: c.230C>T, p.Thr77Ile (NM_001278302.1); c.302C>T, p.Thr101Ile (NM_001278303.1); c.362C>T, p.Thr121Ile (NM_001278304.2, NM_138930.3); c.389C>T, p.Thr130Ile (NM_001278342.1); c.521C>T, p.Thr174Ile (NM_019887.6); short protein forms T101I, T174I, T77I, T121I, T130I.
Identifiers: ClinVar variation 4699291 (VCV004699291.1).

ClinVar aggregate classification (germline): Uncertain significance (1 of 4 stars; one submission).

gnomAD v4.1: 4 of 1,613,318 alleles (0.00025%); highest among the groups gnomAD compares: Middle Eastern, 0.017%; no homozygotes.

Submission:

Labcorp Genetics (formerly Invitae), Labcorp
Classification: Uncertain significance. Last evaluated: 2025-02-19. Review status: criteria provided, single submitter. Criteria: Invitae Variant Classification Sherloc (09022015). Collection method: clinical testing. Allele origin: germline.
Comment: This sequence change replaces threonine, which is neutral and polar, with isoleucine, which is neutral and non-polar, at codon 174 of the DIABLO protein (p.Thr174Ile). This variant is present in population databases (rs766596915, gnomAD 0.0009%). This variant has not been reported in the literature in individuals affected with DIABLO-related conditions. An algorithm developed to predict the effect of missense changes on protein structure and function (PolyPhen-2) suggests that this variant is likely to be disruptive. In summary, the available evidence is currently insufficient to determine the role of this variant in disease. Therefore, it has been classified as a Variant of Uncertain Significance.